The following is an entry in ClinVar:

NM_014845.6(FIG4):c.1349G>A (p.Arg450His)

Gene: FIG4 (FIG4 phosphoinositide 5-phosphatase; plus strand). Cytogenetic location: 6q21.
Variant type: single nucleotide variant.
Coding change: c.1349G>A on transcript NM_014845.6 (MANE Select); coding-DNA position 1349, G replaced by A.
Protein change: p.Arg450His; replaces arginine 450 with histidine.
Molecular consequence: missense variant.
Genome position (GRCh38, 1-based): chr6:109,762,168, G>A. VCF-style: chr6-109762168-G-A. GRCh37 (hg19) VCF-style: chr6-110083371-G-A.
Other names: c.1349G>A (NM_014845.5); short protein forms R450H.
Identifiers: ClinVar variation 1508670 (VCV001508670.10), dbSNP rs188547769, ClinGen allele CA3956043.
Genomic context (GRCh38, chr6:109,762,168, plus strand): 5'-TTGATCGACTAAATGTGATTGCAGAAAGTGTGGTGAAGAAAACAGGTTTCTTTGTAAACC[G>A]CCCTGATTCTTACTGTAGCATTTTGCGGCCAGATGAAAAGTATGTATGGTATTTTAAAAC-3'
Protein context (NP_055660.1, residues 440-460): VVKKTGFFVN[Arg450His]PDSYCSILRP

ClinVar aggregate classification (germline): Uncertain significance. Review status: criteria provided, multiple submitters, no conflicts (2 of 4 stars). 2 submissions from 2 submitters: Uncertain significance (2). Last evaluated 2025-10-24.

Conditions:
Charcot-Marie-Tooth disease type 4. Also called: Charcot-Marie-Tooth, Type 4; Charcot-Marie-Tooth disease, type IV. Identifiers: Orphanet 64749, MedGen C4082197, MONDO:0018995.
Inborn genetic diseases. Identifiers: MedGen C0950123, MeSH D030342.

Allele frequency attached by ClinVar (database versions not stated): ExAC 0.00001; gnomAD 0.00001; 1000 Genomes Project 30x 0.00016; 1000 Genomes Project 0.00020.
gnomAD v4.1: 7 of 1,612,538 alleles (0.00043%); highest among the groups gnomAD compares: Admixed American, 0.0017%; no homozygotes.

Submissions (2):

Ambry Genetics
Classification: Uncertain significance for Inborn genetic diseases. Last evaluated: 2025-10-24. Review status: criteria provided, single submitter. Criteria: Ambry Variant Classification Scheme 2023. Collection method: clinical testing. Allele origin: germline.

Labcorp Genetics (formerly Invitae), Labcorp
Classification: Uncertain significance for Charcot-Marie-Tooth disease type 4. Last evaluated: 2025-05-05. Review status: criteria provided, single submitter. Criteria: Invitae Variant Classification Sherloc (09022015). Collection method: clinical testing. Allele origin: germline.
Comment: This sequence change replaces arginine, which is basic and polar, with histidine, which is basic and polar, at codon 450 of the FIG4 protein (p.Arg450His). This variant is present in population databases (rs188547769, gnomAD 0.006%). This missense change has been observed in individual(s) with neurodevelopmental disorders (PMID: 35982159). ClinVar contains an entry for this variant (Variation ID: 1508670). An algorithm developed to predict the effect of missense changes on protein structure and function (PolyPhen-2) suggests that this variant is likely to be tolerated. In summary, the available evidence is currently insufficient to determine the role of this variant in disease. Therefore, it has been classified as a Variant of Uncertain Significance.

Literature cited by the submitters: PubMed 35982159 (cited by Labcorp Genetics (formerly Invitae), Labcorp).